The following is an entry in ClinVar:

ClinVar aggregate classification (germline): Uncertain significance (1 of 4 stars; one submission).

Allele frequency attached by ClinVar (database versions not stated): gnomAD exomes 0.00001; TOPMed 0.00001; gnomAD 0.00002.
gnomAD v4.1: 10 of 1,613,922 alleles (0.00062%); highest among the groups gnomAD compares: Non-Finnish European, 0.00085%; no homozygotes.

Submission:

Labcorp Genetics (formerly Invitae), Labcorp
Classification: Uncertain significance. Last evaluated: 2024-12-17. Review status: criteria provided, single submitter. Criteria: Invitae Variant Classification Sherloc (09022015). Collection method: clinical testing. Allele origin: germline.
Comment: This sequence change replaces serine, which is neutral and polar, with proline, which is neutral and non-polar, at codon 252 of the NDUFAF7 protein (p.Ser252Pro). This variant is present in population databases (no rsID available, gnomAD 0.002%). This variant has not been reported in the literature in individuals affected with NDUFAF7-related conditions. ClinVar contains an entry for this variant (Variation ID: 2990272). An algorithm developed to predict the effect of missense changes on protein structure and function (PolyPhen-2) suggests that this variant is likely to be tolerated. In summary, the available evidence is currently insufficient to determine the role of this variant in disease. Therefore, it has been classified as a Variant of Uncertain Significance.

NM_144736.5(NDUFAF7):c.1048T>C (p.Ser350Pro)

Gene: NDUFAF7 (NADH:ubiquinone oxidoreductase complex assembly factor 7; plus strand). Cytogenetic location: 2p22.2.
Variant type: single nucleotide variant.
Coding change: c.1048T>C on transcript NM_144736.5 (MANE Select); coding-DNA position 1048, T replaced by C.
Protein change: p.Ser350Pro; replaces serine 350 with proline.
Molecular consequence: missense variant. On other transcripts: non-coding transcript variant (10).
Genome position (GRCh38, 1-based): chr2:37,247,567, T>C. VCF-style: chr2-37247567-T-C. GRCh37 (hg19) VCF-style: chr2-37474710-T-C.
Other names: c.754T>C, p.Ser252Pro (NM_001083946.2); c.1048T>C, p.Ser350Pro (NM_001350024.2); c.967T>C, p.Ser323Pro (NM_001350025.2); c.835T>C, p.Ser279Pro (NM_001350027.2); short protein forms S279P, S350P, S323P, S252P.
Identifiers: ClinVar variation 2990272 (VCV002990272.3), dbSNP rs993134186, ClinGen allele CA45479048.
Genomic context (GRCh38, chr2:37,247,567, plus strand): 5'-GATCTAACAGCTGATGTGGACTTCAGTTATTTGCGAAGAATGGCACAGGGAAAAGTAGCC[T>C]CTCTGGGCCCAATAAAACAACACACATTTTTAAAAAATATGGGTATTGATGTCCGGCTGA-3'
Protein context (NP_653337.1, residues 340-360): LRRMAQGKVA[Ser350Pro]LGPIKQHTFL